The following is an entry in ClinVar:

ClinVar aggregate classification (germline): Conflicting classifications of pathogenicity. Review status: criteria provided, conflicting classifications (1 of 4 stars). 4 submissions from 4 submitters: Uncertain significance (3); Likely benign (1). Last evaluated 2025-02-07.

Conditions:
WRN-related disorder. Also called: WRN-related condition.
Inborn genetic diseases. Identifiers: MedGen C0950123, MeSH D030342.
Werner syndrome (WRN). Identifiers: Orphanet 902, MedGen C0043119, MONDO:0010196, OMIM 277700.

Allele frequency attached by ClinVar (database versions not stated): gnomAD 0.00001; gnomAD exomes 0.00002; TOPMed 0.00002.

Submissions (4):

Ambry Genetics
Classification: Likely benign for Inborn genetic diseases. Last evaluated: 2025-02-07. Review status: criteria provided, single submitter. Criteria: Ambry Variant Classification Scheme 2023. Collection method: clinical testing. Allele origin: germline.

PreventionGenetics, part of Exact Sciences
Classification: Uncertain significance for WRN-related condition. Last evaluated: 2025-01-21. Review status: criteria provided, single submitter. Criteria: ACMG Guidelines, 2015. Collection method: clinical testing. Allele origin: germline.
Comment: The WRN c.3775A>G variant is predicted to result in the amino acid substitution p.Met1259Val. To our knowledge, this variant has not been reported in the literature. This variant is reported in 0.0029% of alleles in individuals of Latino descent in gnomAD. At this time, the clinical significance of this variant is uncertain due to the absence of conclusive functional and genetic evidence.

Labcorp Genetics (formerly Invitae), Labcorp
Classification: Uncertain significance for Werner syndrome. Last evaluated: 2024-07-11. Review status: criteria provided, single submitter. Criteria: Invitae Variant Classification Sherloc (09022015). Collection method: clinical testing. Allele origin: germline.
Comment: This sequence change replaces methionine, which is neutral and non-polar, with valine, which is neutral and non-polar, at codon 1259 of the WRN protein (p.Met1259Val). This variant is present in population databases (no rsID available, gnomAD 0.003%). This variant has not been reported in the literature in individuals affected with WRN-related conditions. ClinVar contains an entry for this variant (Variation ID: 649312). An algorithm developed to predict the effect of missense changes on protein structure and function outputs the following: PolyPhen-2: "Benign". The valine amino acid residue is found in multiple mammalian species, which suggests that this missense change does not adversely affect protein function. In summary, the available evidence is currently insufficient to determine the role of this variant in disease. Therefore, it has been classified as a Variant of Uncertain Significance.

Fulgent Genetics
Classification: Uncertain significance for Werner syndrome. Last evaluated: 2024-04-10. Review status: criteria provided, single submitter. Criteria: ACMG Guidelines, 2015. Collection method: clinical testing. Allele origin: germline.

NM_000553.6(WRN):c.3775A>G (p.Met1259Val)

Gene: WRN (WRN RecQ like helicase; plus strand). Cytogenetic location: 8p12.
Variant type: single nucleotide variant.
Coding change: c.3775A>G on transcript NM_000553.6 (MANE Select); coding-DNA position 3775, A replaced by G.
Protein change: p.Met1259Val; replaces methionine 1259 with valine.
Molecular consequence: missense variant.
Genome position (GRCh38, 1-based): chr8:31,154,711, A>G. VCF-style: chr8-31154711-A-G. GRCh37 (hg19) VCF-style: chr8-31012227-A-G.
Other names: short protein forms M1259V.
Identifiers: ClinVar variation 649312 (VCV000649312.9), dbSNP rs1053530158, ClinGen allele CA174911499.
Genomic context (GRCh38, chr8:31,154,711, plus strand): 5'-CAAGAAGAACAGAAGACGAGTCTGGTAGCAAAAAATAAAATATGCACACTTTCACAGTCT[A>G]TGGCCATCACATACTCTTTATTCCAAGAAAAGAAGATGCCTTTGGTAAGTGTGACTTTCA-3'
Protein context (NP_000544.2, residues 1249-1269): KNKICTLSQS[Met1259Val]AITYSLFQEK